The following is an entry in ClinVar:

NM_012243.3(SLC35A3):c.778G>C (p.Ala260Pro)

Gene: SLC35A3 (solute carrier family 35 member A3; plus strand). Cytogenetic location: 1p21.2.
Variant type: single nucleotide variant.
Coding change: c.778G>C on transcript NM_012243.3 (MANE Select); coding-DNA position 778, G replaced by C.
Protein change: p.Ala260Pro; replaces alanine 260 with proline.
Molecular consequence: missense variant. On other transcripts: intron variant (1).
Genome position (GRCh38, 1-based): chr1:100,017,706, G>C. VCF-style: chr1-100017706-G-C. GRCh37 (hg19) VCF-style: chr1-100483262-G-C.
Other names: c.904G>C, p.Ala302Pro (NM_001271685.2); c.635-4680G>C (NM_001271684.2); short protein forms A260P, A302P.
Identifiers: ClinVar variation 567622 (VCV000567622.3), dbSNP rs1557846118, ClinGen allele CA341317268.
Genomic context (GRCh38, chr1:100,017,706, plus strand): 5'-ATGTGTGTTTTAAAAAATATTTTTTTAAAACTTCAGGCACTTGGAGGCCTTGTAATAGCT[G>C]CTGTTATTAAGTATGCAGATAATATTTTAAAAGGATTTGCAACCTCTTTATCGATAATAT-3'
Protein context (NP_036375.1, residues 250-270): LQALGGLVIA[Ala260Pro]VIKYADNILK

ClinVar aggregate classification (germline): Uncertain significance (1 of 4 stars; one submission).

Conditions:
Autism spectrum disorder - epilepsy - arthrogryposis syndrome (AMRS). Identifiers: Orphanet 370943, MedGen C3809910, MONDO:0014248, OMIM 615553.

Submission:

Labcorp Genetics (formerly Invitae), Labcorp
Classification: Uncertain significance for Autism spectrum disorder - epilepsy - arthrogryposis syndrome. Last evaluated: 2021-09-02. Review status: criteria provided, single submitter. Criteria: Invitae Variant Classification Sherloc (09022015). Collection method: clinical testing. Allele origin: germline.
Comment: This sequence change replaces alanine with proline at codon 260 of the SLC35A3 protein (p.Ala260Pro). The alanine residue is moderately conserved and there is a small physicochemical difference between alanine and proline. This variant is not present in population databases (ExAC no frequency). This variant has not been reported in the literature in individuals affected with SLC35A3-related conditions. ClinVar contains an entry for this variant (Variation ID: 567622). Algorithms developed to predict the effect of missense changes on protein structure and function are either unavailable or do not agree on the potential impact of this missense change (SIFT: "Tolerated"; PolyPhen-2: "Possibly Damaging"; Align-GVGD: "Class C0"). In summary, the available evidence is currently insufficient to determine the role of this variant in disease. Therefore, it has been classified as a Variant of Uncertain Significance.